The following is an entry in ClinVar:

ClinVar aggregate classification (germline): Uncertain significance (1 of 4 stars; one submission).

Conditions:
Inborn genetic diseases. Identifiers: MedGen C0950123, MeSH D030342.

Submission:

Ambry Genetics
Classification: Uncertain significance for Inborn genetic diseases. Last evaluated: 2024-09-12. Review status: criteria provided, single submitter. Criteria: Ambry Variant Classification Scheme 2023. Collection method: clinical testing. Allele origin: germline.
Comment: The p.F2211I variant (also known as c.6631T>A), located in coding exon 39 of the ATR gene, results from a T to A substitution at nucleotide position 6631. The phenylalanine at codon 2211 is replaced by isoleucine, an amino acid with highly similar properties. This amino acid position is conserved. In addition, this alteration is predicted to be tolerated by in silico analysis. Based on the available evidence, the clinical significance of this variant remains unclear.

NM_001184.4(ATR):c.6631T>A (p.Phe2211Ile)

Gene: ATR (ATR serine/threonine kinase; minus strand). Cytogenetic location: 3q23.
Variant type: single nucleotide variant.
Coding change: c.6631T>A on transcript NM_001184.4 (MANE Select); coding-DNA position 6631, T replaced by A.
Protein change: p.Phe2211Ile; replaces phenylalanine 2211 with isoleucine.
Molecular consequence: missense variant.
Genome position (GRCh38, 1-based): chr3:142,467,990, A>T on the plus strand (T>A on the coding strand, the complement: ATR is on the minus strand). VCF-style: chr3-142467990-A-T. GRCh37 (hg19) VCF-style: chr3-142186832-A-T.
Other names: c.6439T>A, p.Phe2147Ile (NM_001354579.2); short protein forms F2211I, F2147I.
Identifiers: ClinVar variation 3462662 (VCV003462662.1).